The following is an entry in ClinVar:

ClinVar aggregate classification (germline): Conflicting classifications of pathogenicity. Review status: criteria provided, conflicting classifications (1 of 4 stars). 5 submissions from 5 submitters: Uncertain significance (4); Likely benign (1). Last evaluated 2026-01-22.

Conditions:
MAGEL2-related disorder. Also called: MAGEL2-related condition.
Schaaf-Yang syndrome (SHFYNG). Also called: Arthrogryposis, distal, with hypopituitarism, intellectual disability, and facial anomalies; MAGEL2-related Prader-Willi-like syndrome. Identifiers: Orphanet 398069, MedGen C5575066, MONDO:0014243, OMIM 615547.

Allele frequency attached by ClinVar (database versions not stated): gnomAD 0.00001; TOPMed 0.00002.

Submissions (5):

GeneDx
Classification: Uncertain significance. Last evaluated: 2026-01-22. Review status: criteria provided, single submitter. Criteria: GeneDx Variant Classification Process June 2021. Collection method: clinical testing. Allele origin: germline.
Comment: Not observed at significant frequency in large population cohorts (gnomAD); Has not been previously published as pathogenic or benign to our knowledge; In silico analysis does not support a benign or deleterious effect of this variant on protein structure/function

PreventionGenetics, part of Exact Sciences
Classification: Likely benign for MAGEL2-related condition. Last evaluated: 2025-09-03. Review status: criteria provided, single submitter. Criteria: ACMG Guidelines, 2015. Collection method: clinical testing. Allele origin: germline.
Comment: This variant is classified as likely benign based on ACMG/AMP sequence variant interpretation guidelines (Richards et al. 2015 PMID: 25741868, with internal and published modifications).

Labcorp Genetics (formerly Invitae), Labcorp
Classification: Uncertain significance. Last evaluated: 2025-03-05. Review status: criteria provided, single submitter. Criteria: Invitae Variant Classification Sherloc (09022015). Collection method: clinical testing. Allele origin: germline.
Comment: This sequence change replaces alanine, which is neutral and non-polar, with threonine, which is neutral and polar, at codon 503 of the MAGEL2 protein (p.Ala503Thr). This variant is not present in population databases (gnomAD no frequency). This variant has not been reported in the literature in individuals affected with MAGEL2-related conditions. ClinVar contains an entry for this variant (Variation ID: 498468). Invitae Evidence Modeling of protein sequence and biophysical properties (such as structural, functional, and spatial information, amino acid conservation, physicochemical variation, residue mobility, and thermodynamic stability) indicates that this missense variant is not expected to disrupt MAGEL2 protein function with a negative predictive value of 80%. In summary, the available evidence is currently insufficient to determine the role of this variant in disease. Therefore, it has been classified as a Variant of Uncertain Significance.

Fulgent Genetics
Classification: Uncertain significance for Schaaf-Yang syndrome. Last evaluated: 2024-04-12. Review status: criteria provided, single submitter. Criteria: ACMG Guidelines, 2015. Collection method: clinical testing. Allele origin: germline.

Eurofins Ntd Llc (ga)
Classification: Uncertain significance. Last evaluated: 2016-12-15. Review status: criteria provided, single submitter. Criteria: EGL Classification Definitions 2015. Collection method: clinical testing. Allele origin: germline. Observed: 1 variant allele, 1 heterozygote.

NM_019066.5(MAGEL2):c.1507G>A (p.Ala503Thr)

Gene: MAGEL2 (MAGE family member L2; minus strand). Cytogenetic location: 15q11.2.
Variant type: single nucleotide variant.
Coding change: c.1507G>A on transcript NM_019066.5 (MANE Select); coding-DNA position 1507, G replaced by A.
Protein change: p.Ala503Thr; replaces alanine 503 with threonine.
Molecular consequence: missense variant.
Genome position (GRCh38, 1-based): chr15:23,646,236, C>T on the plus strand (G>A on the coding strand, the complement: MAGEL2 is on the minus strand). VCF-style: chr15-23646236-C-T. GRCh37 (hg19) VCF-style: chr15-23891383-C-T.
Other names: c.1507G>A (NM_019066.4); short protein forms A503T.
Identifiers: ClinVar variation 498468 (VCV000498468.13), dbSNP rs1331788296, ClinGen allele CA391333903.